The following is an entry in ClinVar:

NM_001235.5(SERPINH1):c.267G>A (p.Thr89=)

Gene: SERPINH1 (serpin family H member 1; plus strand). Cytogenetic location: 11q13.5.
Variant type: single nucleotide variant.
Coding change: c.267G>A on transcript NM_001235.5 (MANE Select); coding-DNA position 267, G replaced by A.
Protein change: p.Thr89=; no amino-acid change (threonine 89 retained).
Molecular consequence: synonymous variant.
Genome position (GRCh38, 1-based): chr11:75,566,616, G>A. VCF-style: chr11-75566616-G-A. GRCh37 (hg19) VCF-style: chr11-75277661-G-A.
Other names: c.267G>A, p.Thr89= (NM_001207014.3).
Identifiers: ClinVar variation 287158 (VCV000287158.45), dbSNP rs139127426, ClinGen allele CA6190767.

ClinVar aggregate classification (germline): Benign/Likely benign. Review status: criteria provided, multiple submitters, no conflicts (2 of 4 stars). 6 submissions from 6 submitters: Benign (3); Likely benign (3). Last evaluated 2026-01-22.

Conditions:
Osteogenesis imperfecta type 10 (OI10). Also called: OI, TYPE X. Identifiers: Orphanet 666, MedGen C3151211, MONDO:0013459, OMIM 613848.

Allele frequency attached by ClinVar (database versions not stated): TOPMed 0.00116; ESP Exome Variant Server 0.00139; gnomAD 0.00155 and 0.00171; 1000 Genomes Project 30x 0.00156; 1000 Genomes Project 0.00160; gnomAD exomes 0.00185 and 0.00202; ExAC 0.00243.

Submissions (6):

Labcorp Genetics (formerly Invitae), Labcorp
Classification: Benign. Last evaluated: 2026-01-22. Review status: criteria provided, single submitter. Criteria: Invitae Variant Classification Sherloc (09022015). Collection method: clinical testing. Allele origin: germline.

Blueprint Genetics
Classification: Likely benign. Last evaluated: 2024-11-21. Review status: criteria provided, single submitter. Criteria: ACMG Guidelines, 2015. Collection method: clinical testing. Allele origin: germline.

CeGaT Center for Human Genetics Tuebingen
Classification: Likely benign. Last evaluated: 2023-01-01. Review status: criteria provided, single submitter. Criteria: CeGaT Center For Human Genetics Tuebingen Variant Classification Criteria Version 2. Collection method: clinical testing. Allele origin: germline. Affected: yes. Observed: 2 variant alleles.
Comment: SERPINH1: BP4, BP7

GeneDx
Classification: Benign. Last evaluated: 2019-06-26. Review status: criteria provided, single submitter. Criteria: GeneDx Variant Classification Process June 2021. Collection method: clinical testing. Allele origin: germline. Affected: yes.

Illumina Laboratory Services, Illumina
Classification: Likely benign for Osteogenesis imperfecta type 10. Last evaluated: 2018-01-12. Review status: criteria provided, single submitter. Criteria: ICSL Variant Classification Criteria 13 December 2019. Collection method: clinical testing. Allele origin: germline.
Comment: This variant was observed in the ICSL laboratory as part of a predisposition screen in an ostensibly healthy population. It had not been previously curated by ICSL or reported in the Human Gene Mutation Database (HGMD: prior to June 1st, 2018), and was therefore a candidate for classification through an automated scoring system. Utilizing variant allele frequency, disease prevalence and penetrance estimates, and inheritance mode, an automated score was calculated to assess if this variant is too frequent to cause the disease. Based on the score and internal cut-off values, a variant classified as likely benign is not then subjected to further curation. The score for this variant resulted in a classification of likely benign for this disease.

Eurofins Ntd Llc (ga)
Classification: Benign. Last evaluated: 2016-03-30. Review status: criteria provided, single submitter. Criteria: EGL Classification Definitions 2015. Collection method: clinical testing. Allele origin: germline. Observed: 1 variant allele, 1 heterozygote.